The following is an entry in ClinVar:

ClinVar aggregate classification (germline): Uncertain significance (1 of 4 stars; one submission).

Conditions:
Generalized epilepsy with febrile seizures plus, type 7 (GEFSP7). Also called: GEFS+, TYPE 7. Identifiers: Orphanet 36387, MedGen C2751778, MONDO:0013470, OMIM 613863.
Neuropathy, hereditary sensory and autonomic, type 2A (HSAN2A). Also called: NEUROPATHY, CONGENITAL SENSORY; NEUROPATHY, HEREDITARY SENSORY RADICULAR, AUTOSOMAL RECESSIVE; NEUROPATHY, HEREDITARY SENSORY, TYPE IIA; NEUROPATHY, PROGRESSIVE SENSORY, OF CHILDREN; HSAN IIA; MORVAN DISEASE. Identifiers: Orphanet 970, MedGen C2752089, MONDO:0024309, OMIM 201300.

Allele frequency attached by ClinVar (database versions not stated): gnomAD 0.00001; TOPMed 0.00001.
gnomAD v4.1: 3 of 1,613,240 alleles (0.00019%); highest among the groups gnomAD compares: African/African-American, 0.004%; no homozygotes.

Submission:

Labcorp Genetics (formerly Invitae), Labcorp
Classification: Uncertain significance for Neuropathy, hereditary sensory and autonomic, type 2A; Generalized epilepsy with febrile seizures plus, type 7. Last evaluated: 2022-07-05. Review status: criteria provided, single submitter. Criteria: Invitae Variant Classification Sherloc (09022015). Collection method: clinical testing. Allele origin: germline.
Comment: In summary, the available evidence is currently insufficient to determine the role of this variant in disease. Therefore, it has been classified as a Variant of Uncertain Significance. Algorithms developed to predict the effect of missense changes on protein structure and function (SIFT, PolyPhen-2, Align-GVGD) all suggest that this variant is likely to be tolerated. ClinVar contains an entry for this variant (Variation ID: 1376061). This variant has not been reported in the literature in individuals affected with SCN9A-related conditions. This variant is present in population databases (no rsID available, gnomAD 0.01%). This sequence change replaces glutamic acid, which is acidic and polar, with aspartic acid, which is acidic and polar, at codon 1956 of the SCN9A protein (p.Glu1956Asp).

NM_001365536.1(SCN9A):c.5901G>C (p.Glu1967Asp)

Genes: SCN9A (sodium voltage-gated channel alpha subunit 9; minus strand), SCN1A-AS1 (SCN1A and SCN9A antisense RNA 1; plus strand). Cytogenetic location: 2q24.3.
Variant type: single nucleotide variant.
Coding change: c.5901G>C on transcript NM_001365536.1 (MANE Select); coding-DNA position 5901, G replaced by C.
Protein change: p.Glu1967Asp; replaces glutamic acid 1967 with aspartic acid.
Molecular consequence: missense variant.
Genome position (GRCh38, 1-based): chr2:166,198,738, C>G on the plus strand (G>C on the coding strand, the complement: SCN9A is on the minus strand). VCF-style: chr2-166198738-C-G. GRCh37 (hg19) VCF-style: chr2-167055248-C-G.
Other names: c.5868G>C, p.Glu1956Asp (NM_002977.4); short protein forms E1967D, E1956D.
Identifiers: ClinVar variation 1376061 (VCV001376061.8), dbSNP rs1164464636, ClinGen allele CA349051148.